The following is an entry in ClinVar:

ClinVar aggregate classification (germline): Uncertain significance (1 of 4 stars; one submission).

gnomAD v4.1: 10 of 1,613,874 alleles (0.00062%); highest among the groups gnomAD compares: East Asian, 0.022%; no homozygotes.

Submission:

Mayo Clinic Laboratories, Mayo Clinic
Classification: Uncertain significance. Last evaluated: 2024-12-26. Review status: criteria provided, single submitter. Criteria: ACMG Guidelines, 2015. Collection method: clinical testing. Allele origin: germline. Observed: 1 variant allele.
Comment: BP4

NM_001267550.2(TTN):c.96640G>A (p.Val32214Ile)

Genes: TTN (titin; minus strand), TTN-AS1 (TTN antisense RNA 1; plus strand), LOC126806421 (CDK7 strongly-dependent group 2 enhancer GRCh37_chr2:179407630-179408829; plus strand). Cytogenetic location: 2q31.2.
Variant type: single nucleotide variant.
Coding change: c.96640G>A on transcript NM_001267550.2 (MANE Select); coding-DNA position 96640, G replaced by A.
Protein change: p.Val32214Ile; replaces valine 32214 with isoleucine.
Molecular consequence: missense variant.
Genome position (GRCh38, 1-based): chr2:178,543,333, C>T on the plus strand (G>A on the coding strand, the complement: TTN is on the minus strand). VCF-style: chr2-178543333-C-T. GRCh37 (hg19) VCF-style: chr2-179408060-C-T.
Other names: p.Val30573Ile; c.91717G>A, p.Val30573Ile (NM_001256850.1); c.69445G>A, p.Val23149Ile (NM_003319.4); c.88936G>A, p.Val29646Ile (NM_133378.4); c.69820G>A, p.Val23274Ile (NM_133432.3); c.70021G>A, p.Val23341Ile (NM_133437.4); short protein forms V23341I, V29646I, V30573I, V32214I, V23149I, V23274I.
Identifiers: ClinVar variation 4540703 (VCV004540703.1).
Genomic context (GRCh38, chr2:178,543,333, plus strand): 5'-GTCGGCTACCACCATCGTAGAGTGGTTTTTCCCAGGCAAGGGTAACAGTGGATTTGGTGA[C>T]ATCGACCACTTCTAGCTTTGCAGGCACCAAAGGCACTTCTGAGACCAGTACTGCATCAGA-3'
Protein context (NP_001254479.2, residues 32204-32224): LVPAKLEVVD[Val32214Ile]TKSTVTLAWE